The following is an entry in ClinVar:

NM_001987.5(ETV6):c.632G>A (p.Arg211His)

Gene: ETV6 (ETS variant transcription factor 6; plus strand). Cytogenetic location: 12p13.2.
Variant type: single nucleotide variant.
Coding change: c.632G>A on transcript NM_001987.5 (MANE Select); coding-DNA position 632, G replaced by A.
Protein change: p.Arg211His; replaces arginine 211 with histidine.
Molecular consequence: missense variant.
Genome position (GRCh38, 1-based): chr12:11,869,592, G>A. VCF-style: chr12-11869592-G-A. GRCh37 (hg19) VCF-style: chr12-12022526-G-A.
Other names: c.632G>A (NM_001987.4); short protein forms R211H.
Identifiers: ClinVar variation 992913 (VCV000992913.8), dbSNP rs111871763, ClinGen allele CA6454309.

ClinVar aggregate classification (germline): Uncertain significance. Review status: criteria provided, multiple submitters, no conflicts (2 of 4 stars). 4 submissions from 4 submitters: Uncertain significance (4). Last evaluated 2025-11-25.

Conditions:
Thrombocytopenia 5 (THC5). Also called: THROMBOCYTOPENIA 5 WITH INCREASED SUSCEPTIBILITY TO MALIGNANCY; THROMBOCYTOPENIA, AUTOSOMAL DOMINANT, 5. Identifiers: MedGen C4015537, MONDO:0014536, OMIM 616216.
Inborn genetic diseases. Identifiers: MedGen C0950123, MeSH D030342.

Allele frequency attached by ClinVar (database versions not stated): gnomAD 0.00003 and 0.00004; gnomAD exomes 0.00004 and 0.00002; TOPMed 0.00006; ESP Exome Variant Server 0.00008; ExAC 0.00003.

Submissions (4):

Ambry Genetics
Classification: Uncertain significance for Inborn genetic diseases. Last evaluated: 2025-11-25. Review status: criteria provided, single submitter. Criteria: Ambry Variant Classification Scheme 2023. Collection method: clinical testing. Allele origin: germline.

Labcorp Genetics (formerly Invitae), Labcorp
Classification: Uncertain significance. Last evaluated: 2025-09-10. Review status: criteria provided, single submitter. Criteria: Invitae Variant Classification Sherloc (09022015). Collection method: clinical testing. Allele origin: germline.
Comment: This sequence change replaces arginine, which is basic and polar, with histidine, which is basic and polar, at codon 211 of the ETV6 protein (p.Arg211His). This variant is present in population databases (rs111871763, gnomAD 0.02%). This missense change has been observed in individual(s) with acute lymphoblastic leukaemia (PMID: 26522332). ClinVar contains an entry for this variant (Variation ID: 992913). Invitae Evidence Modeling of protein sequence and biophysical properties (such as structural, functional, and spatial information, amino acid conservation, physicochemical variation, residue mobility, and thermodynamic stability) indicates that this missense variant is not expected to disrupt ETV6 protein function with a negative predictive value of 80%. In summary, the available evidence is currently insufficient to determine the role of this variant in disease. Therefore, it has been classified as a Variant of Uncertain Significance.

GeneDx
Classification: Uncertain significance. Last evaluated: 2023-07-25. Review status: criteria provided, single submitter. Criteria: GeneDx Variant Classification Process June 2021. Collection method: clinical testing. Allele origin: germline. Affected: yes.
Comment: In silico analysis supports that this missense variant does not alter protein structure/function; Identified in a patient with childhood acute lymphoblastic leukemia (PMID: 26522332); This variant is associated with the following publications: (PMID: 33179473, 17988997, 26522332)

Johns Hopkins Genomics, Johns Hopkins University
Classification: Uncertain significance for Thrombocytopenia 5. Last evaluated: 2020-12-11. Review status: criteria provided, single submitter. Criteria: ACMG Guidelines, 2015. Collection method: clinical testing. Allele origin: germline.
Comment: This ETV6 variant has been reported in both an individual presenting with myelodysplastic syndrome and idiopathic cytopenia of undetermined significance. ETV6 c.632G>A (rs111871763) is rare (<0.1%) in a large population dataset (gnomAD: 10/282746 total alleles; 0.004%; no homozygotes) and has not been reported in ClinVar nor the literature, to our knowledge. Three bioinformatic tools queried predict that this substitution would be tolerated, and the arginine residue at this position is evolutionarily conserved across mammals. We consider the clinical significance of c.632G>A to be uncertain at this time.

Literature cited by the submitters: PubMed 26522332 (cited by Labcorp Genetics (formerly Invitae), Labcorp); PubMed 17988997 (cited by Johns Hopkins Genomics, Johns Hopkins University); PubMed 33179473 (cited by Johns Hopkins Genomics, Johns Hopkins University).